The following is an entry in ClinVar:

ClinVar aggregate classification (germline): Likely pathogenic (1 of 4 stars; one submission).

Allele frequency attached by ClinVar (database versions not stated): gnomAD exomes below 0.00001.
gnomAD v4.1: 1 of 1,552,262 alleles (0.000064%); highest among the groups gnomAD compares: Non-Finnish European, 0.000088%; no homozygotes.

Submission:

GeneDx
Classification: Likely pathogenic. Last evaluated: 2023-07-17. Review status: criteria provided, single submitter. Criteria: GeneDx Variant Classification Process June 2021. Collection method: clinical testing. Allele origin: germline. Affected: yes.
Comment: Canonical splice site variant predicted to result in a null allele in a gene for which loss of function is a known mechanism of disease; Not observed at significant frequency in large population cohorts (gnomAD); Has not been previously published as pathogenic or benign to our knowledge

NM_000238.4(KCNH2):c.2692+1G>A

Gene: KCNH2 (potassium voltage-gated channel subfamily H member 2; minus strand). Cytogenetic location: 7q36.1.
Variant type: single nucleotide variant.
Coding change: c.2692+1G>A on transcript NM_000238.4 (MANE Select); the canonical splice donor site of the intron after coding-DNA position 2692, G replaced by A.
Molecular consequence: splice donor variant.
Genome position (GRCh38, 1-based): chr7:150,948,443, C>T on the plus strand (G>A on the coding strand, the complement: KCNH2 is on the minus strand). VCF-style: chr7-150948443-C-T. GRCh37 (hg19) VCF-style: chr7-150645531-C-T.
Other names: c.2404+1G>A (NM_001406753.1); c.1672+1G>A (NM_172057.3).
Identifiers: ClinVar variation 3253477 (VCV003253477.1), dbSNP rs1801002279.